The following is an entry in ClinVar:

NM_001271938.2(MEGF8):c.5722C>T (p.Leu1908=)

Gene: MEGF8 (multiple EGF like domains 8; plus strand). Cytogenetic location: 19q13.2.
Variant type: single nucleotide variant.
Coding change: c.5722C>T on transcript NM_001271938.2 (MANE Select); coding-DNA position 5722, C replaced by T.
Protein change: p.Leu1908=; no amino-acid change (leucine 1908 retained).
Molecular consequence: synonymous variant.
Genome position (GRCh38, 1-based): chr19:42,362,091, C>T. VCF-style: chr19-42362091-C-T. GRCh37 (hg19) VCF-style: chr19-42866243-C-T.
Other names: c.5521C>T, p.Leu1841= (NM_001410.3).
Identifiers: ClinVar variation 2650034 (VCV002650034.24), dbSNP rs144945446, ClinGen allele CA9475670.

ClinVar aggregate classification (germline): Likely benign (1 of 4 stars; one submission).

Allele frequency attached by ClinVar (database versions not stated): ExAC 0.00003; gnomAD 0.00003; TOPMed 0.00004; ESP Exome Variant Server 0.00008; gnomAD exomes 0.00011.
gnomAD v4.1: 168 of 1,611,902 alleles (0.01%); highest among the groups gnomAD compares: Middle Eastern, 0.017%; no homozygotes.

Submission:

CeGaT Center for Human Genetics Tuebingen
Classification: Likely benign. Last evaluated: 2023-09-01. Review status: criteria provided, single submitter. Criteria: CeGaT Center For Human Genetics Tuebingen Variant Classification Criteria Version 2. Collection method: clinical testing. Allele origin: germline. Affected: yes. Observed: 1 variant allele.
Comment: MEGF8: BP4, BP7